The following is an entry in ClinVar:

ClinVar aggregate classification (germline): Uncertain significance (1 of 4 stars; one submission).

Conditions:
GNAO1-related disorder. Also called: GNAO1-related condition; GNAO1-Related Disorders. Identifiers: MedGen CN381308.

Allele frequency attached by ClinVar (database versions not stated): TOPMed 0.00001; gnomAD 0.00002.
gnomAD v4.1: 7 of 1,613,292 alleles (0.00043%); highest among the groups gnomAD compares: African/African-American, 0.004%; no homozygotes.

Submission:

PreventionGenetics, part of Exact Sciences
Classification: Uncertain significance for GNAO1-related condition. Last evaluated: 2023-02-17. Review status: criteria provided, single submitter. Criteria: ACMG Guidelines, 2015. Collection method: clinical testing. Allele origin: germline.
Comment: The GNAO1 c.727C>T variant is predicted to result in the amino acid substitution p.Arg243Cys. To our knowledge, this variant has not been reported in the literature. This variant is reported in 0.011% of alleles in individuals of African descent in gnomAD (1 allele). However, the mapping quality for this locus is poor, so this frequency data may be unreliable. At this time, the clinical significance of this variant is uncertain due to the absence of conclusive functional and genetic evidence.

NM_020988.3(GNAO1):c.723+3977C>T

Gene: GNAO1 (G protein subunit alpha o1; plus strand). Cytogenetic location: 16q13.
Variant type: single nucleotide variant.
Coding change: c.723+3977C>T on transcript NM_020988.3 (MANE Select); 3977 bases into the intron after coding-DNA position 723, C replaced by T.
Molecular consequence: intron variant. On other transcripts: missense variant (1).
Genome position (GRCh38, 1-based): chr16:56,340,837, C>T. VCF-style: chr16-56340837-C-T. GRCh37 (hg19) VCF-style: chr16-56374749-C-T.
Other names: c.727C>T, p.Arg243Cys (NM_138736.3); short protein forms R243C.
Identifiers: ClinVar variation 2636599 (VCV002636599.1), dbSNP rs746569229, ClinGen allele CA395952833.